The following is an entry in ClinVar:

ClinVar aggregate classification (germline): Likely pathogenic (1 of 4 stars; one submission).

Conditions:
WDFY3-related disorder.

Submission:

PreventionGenetics, part of Exact Sciences
Classification: Likely pathogenic for WDFY3-related condition. Last evaluated: 2025-02-26. Review status: criteria provided, single submitter. Criteria: ACMG Guidelines, 2015. Collection method: clinical testing. Allele origin: germline.
Comment: The WDFY3 c.6993+2T>C variant is predicted to disrupt the GT donor site and interfere with normal splicing. This variant is predicted to impact splicing at the consensus donor site based on splicing prediction programs (SpliceAI, Jaganathan et al. 2019. PubMed ID: 30661751). To our knowledge, this variant has not been reported in the literature or in a large population database, indicating this variant is rare. Variants that disrupt the consensus splice donor site in WDFY3 are expected to be pathogenic. This variant is interpreted as likely pathogenic.

NM_014991.6(WDFY3):c.6993+2T>C

Gene: WDFY3 (WD repeat and FYVE domain containing 3; minus strand). Cytogenetic location: 4q21.23.
Variant type: single nucleotide variant.
Coding change: c.6993+2T>C on transcript NM_014991.6 (MANE Select); the canonical splice donor site of the intron after coding-DNA position 6993, T replaced by C.
Molecular consequence: splice donor variant.
Genome position (GRCh38, 1-based): chr4:84,735,041, A>G on the plus strand (T>C on the coding strand, the complement: WDFY3 is on the minus strand). VCF-style: chr4-84735041-A-G. GRCh37 (hg19) VCF-style: chr4-85656194-A-G.
Identifiers: ClinVar variation 3344843 (VCV003344843.2).